The following is an entry in ClinVar:

NM_001330078.2(NRXN1):c.1607_1608dup (p.Lys537Ter)

Gene: NRXN1 (neurexin 1; minus strand). Cytogenetic location: 2p16.3.
Variant type: Duplication.
Coding change: c.1607_1608dup on transcript NM_001330078.2 (MANE Select); coding-DNA positions 1607 to 1608, 2 bases duplicated (TA; older notation c.1607_1608dupTA).
Protein change: p.Lys537Ter; replaces lysine 537 with a stop codon.
Molecular consequence: nonsense.
Genome position (GRCh38, 1-based): chr2:50,552,738-50,552,739, TA duplicated on the plus strand (TA on the coding strand, the reverse complement: NRXN1 is on the minus strand); duplicating any 2 consecutive bases within chr2:50,552,738-50,552,740 gives the same sequence; the c. name uses the placement nearest the transcript's 3' end. VCF-style (leftmost placement, unchanged base first): chr2-50552737-T-TTA. GRCh37 (hg19) VCF-style: chr2-50779875-T-TTA.
Other names: c.1727_1728dup, p.Lys577Ter (NM_001135659.3); c.1583_1584dup, p.Lys529Ter (NM_001330077.2, NM_001330082.2, NM_001330095.2); c.1568_1569dup, p.Lys524Ter (NM_001330083.2, NM_001330084.2); c.1607_1608dup, p.Lys537Ter (NM_001330085.2, NM_001330086.2, NM_004801.6); c.1523_1524dup, p.Lys509Ter (NM_001330087.2, NM_001330096.2); c.1553_1554dup, p.Lys519Ter (NM_001330088.2); c.1604_1605dup, p.Lys536Ter (NM_001330093.2); c.1595_1596dup, p.Lys533Ter (NM_001330094.2); short protein forms K509*, K533*, K529*, K536*, K577*, K519*, K524*, K537*.
Identifiers: ClinVar variation 4626488 (VCV004626488.1).

ClinVar aggregate classification (germline): Pathogenic (1 of 4 stars; one submission).

Conditions:
Inborn genetic diseases. Identifiers: MedGen C0950123, MeSH D030342.

Submission:

Ambry Genetics
Classification: Pathogenic for Inborn genetic diseases. Last evaluated: 2025-10-02. Review status: criteria provided, single submitter. Criteria: Ambry Variant Classification Scheme 2023. Collection method: clinical testing. Allele origin: germline.
Comment: The c.1727_1728dupTA (p.K577*) alteration, located in exon 10 (coding exon 9) of the NRXN1 gene, consists of a duplication of TA at position 1727. This changes the amino acid from a lysine (K) to a stop codon at amino acid position 577. This alteration is expected to result in loss of function by premature protein truncation or nonsense-mediated mRNA decay. This variant was not reported in population-based cohorts in the Genome Aggregation Database (gnomAD). Based on the available evidence, this alteration is classified as pathogenic.